The following is an entry in ClinVar:

ClinVar aggregate classification (germline): Uncertain significance (1 of 4 stars; one submission).

Conditions:
Familial adenomatous polyposis 1 (FAP1). Also called: FAMILIAL ADENOMATOUS POLYPOSIS 1, ATTENUATED; POLYPOSIS, ADENOMATOUS INTESTINAL. Identifiers: MedGen C2713442, MONDO:0021056, OMIM 175100. Disease mechanism: loss of function.

Submission:

Labcorp Genetics (formerly Invitae), Labcorp
Classification: Uncertain significance for Familial adenomatous polyposis 1. Last evaluated: 2024-03-07. Review status: criteria provided, single submitter. Criteria: Invitae Variant Classification Sherloc (09022015). Collection method: clinical testing. Allele origin: germline.
Comment: This sequence change replaces threonine, which is neutral and polar, with serine, which is neutral and polar, at codon 185 of the APC protein (p.Thr185Ser). This variant is not present in population databases (gnomAD no frequency). This variant has not been reported in the literature in individuals affected with APC-related conditions. Advanced modeling of protein sequence and biophysical properties (such as structural, functional, and spatial information, amino acid conservation, physicochemical variation, residue mobility, and thermodynamic stability) performed at Invitae indicates that this missense variant is not expected to disrupt APC protein function with a negative predictive value of 95%. In summary, the available evidence is currently insufficient to determine the role of this variant in disease. Therefore, it has been classified as a Variant of Uncertain Significance.

NM_000038.6(APC):c.554C>G (p.Thr185Ser)

Gene: APC (APC regulator of Wnt signaling pathway; plus strand). Cytogenetic location: 5q22.2.
Variant type: single nucleotide variant.
Coding change: c.554C>G on transcript NM_000038.6 (MANE Select); coding-DNA position 554, C replaced by G.
Protein change: p.Thr185Ser; replaces threonine 185 with serine.
Molecular consequence: missense variant. On other transcripts: 5 prime UTR variant (4), non-coding transcript variant (2).
Genome position (GRCh38, 1-based): chr5:112,780,812, C>G. VCF-style: chr5-112780812-C-G. GRCh37 (hg19) VCF-style: chr5-112116509-C-G.
Other names: c.554C>G, p.Thr185Ser (NM_001127510.3, NM_001354895.2, NM_001354896.2 and 16 more transcripts); c.584C>G, p.Thr195Ser (NM_001127511.3, NM_001354897.2, NM_001354902.2 and 1 more transcripts); c.479C>G, p.Thr160Ser (NM_001354898.2, NM_001354904.2, NM_001407451.1); c.377C>G, p.Thr126Ser (NM_001354900.2, NM_001354901.2, NM_001354905.2 and 1 more transcripts); c.-482C>G (NM_001354906.2, NM_001407470.1, NM_001407471.1 and 1 more transcripts); short protein forms T160S, T195S, T126S, T185S.
Identifiers: ClinVar variation 3635399 (VCV003635399.2).
Genomic context (GRCh38, chr5:112,780,812, plus strand): 5'-ACAAGATATTGATACTTTTTTATTATTTGTGGTTTTAGTTTTCCTTACAAACAGATATGA[C>G]CAGAAGGCAATTGGAATATGAAGCAAGGCAAATCAGAGTTGCGATGGAAGAACAACTAGG-3'
Protein context (NP_000029.2, residues 175-195): TENFSLQTDM[Thr185Ser]RRQLEYEARQ